The following is an entry in ClinVar:

ClinVar aggregate classification (germline): Uncertain significance (1 of 4 stars; one submission).

Conditions:
FGA-related disorder. Also called: FGA-related condition; FGA-related disorders.

Submission:

PreventionGenetics, part of Exact Sciences
Classification: Uncertain significance for FGA-related condition. Last evaluated: 2025-10-10. Review status: criteria provided, single submitter. Criteria: ACMG Guidelines, 2015. Collection method: clinical testing. Allele origin: germline.
Comment: The FGA c.412A>G variant is predicted to result in the amino acid substitution p.Ile138Val. To our knowledge, this variant has not been reported in the literature or in a large population database (gnomAD), indicating this variant is rare. At this time, the clinical significance of this variant is uncertain due to the absence of conclusive functional and genetic evidence.

NM_021871.4(FGA):c.412A>G (p.Ile138Val)

Gene: FGA (fibrinogen alpha chain; minus strand). Cytogenetic location: 4q31.3.
Variant type: single nucleotide variant.
Coding change: c.412A>G on transcript NM_021871.4 (MANE Select); coding-DNA position 412, A replaced by G.
Protein change: p.Ile138Val; replaces isoleucine 138 with valine.
Molecular consequence: missense variant.
Genome position (GRCh38, 1-based): chr4:154,587,610, T>C on the plus strand (A>G on the coding strand, the complement: FGA is on the minus strand). VCF-style: chr4-154587610-T-C. GRCh37 (hg19) VCF-style: chr4-155508762-T-C.
Other names: c.412A>G, p.Ile138Val (NM_000508.5); short protein forms I138V.
Identifiers: ClinVar variation 4995902 (VCV004995902.1).